The following is an entry in ClinVar:

NM_016333.4(SRRM2):c.2968_3043dup (p.Pro1015fs)

Gene: SRRM2 (serine/arginine repetitive matrix 2; plus strand). Cytogenetic location: 16p13.3.
Variant type: Duplication.
Coding change: c.2968_3043dup on transcript NM_016333.4 (MANE Select); coding-DNA positions 2968 to 3043, 76 bases duplicated.
Protein change: p.Pro1015fs; shifts the reading frame from proline 1015.
Molecular consequence: frameshift variant.
Genome position (GRCh38, 1-based): chr16:2,763,496-2,763,571, 76 bases duplicated. GRCh37 (hg19): chr16:2,813,497-2,813,572.
Other names: short protein forms P1015fs.
Identifiers: ClinVar variation 3962260 (VCV003962260.1).

ClinVar aggregate classification (germline): Pathogenic (1 of 4 stars; one submission).

Conditions:
Inborn genetic diseases. Identifiers: MedGen C0950123, MeSH D030342.

Submission:

Ambry Genetics
Classification: Pathogenic for Inborn genetic diseases. Last evaluated: 2025-06-12. Review status: criteria provided, single submitter. Criteria: Ambry Variant Classification Scheme 2023. Collection method: clinical testing. Allele origin: germline.
Comment: The c.2968_3043dup76 (p.P1015Lfs*33) alteration, located in exon 11 (coding exon 10) of the SRRM2 gene, consists of a duplication of 76 nucleotides causing a translational frameshift at position 2968 with a predicted alternate stop codon after 33 amino acids. This alteration is expected to result in loss of function by premature protein truncation or nonsense-mediated mRNA decay. This variant was not reported in population-based cohorts in the Genome Aggregation Database (gnomAD). Based on the available evidence, this alteration is classified as pathogenic.